The following is an entry in ClinVar:

ClinVar aggregate classification (germline): Uncertain significance. Review status: criteria provided, multiple submitters, no conflicts (2 of 4 stars). 2 submissions from 2 submitters: Uncertain significance (2). Last evaluated 2025-04-11.

Conditions:
Cardiovascular phenotype. Identifiers: MedGen CN230736.

Allele frequency attached by ClinVar (database versions not stated): gnomAD 0.00001; TOPMed 0.00001.
gnomAD v4.1: 3 of 1,550,278 alleles (0.00019%); highest among the groups gnomAD compares: African/African-American, 0.0014%; no homozygotes.

Submissions (2):

Labcorp Genetics (formerly Invitae), Labcorp
Classification: Uncertain significance. Last evaluated: 2025-04-11. Review status: criteria provided, single submitter. Criteria: Invitae Variant Classification Sherloc (09022015). Collection method: clinical testing. Allele origin: germline.
Comment: This sequence change replaces glycine, which is neutral and non-polar, with arginine, which is basic and polar, at codon 3804 of the ZNF469 protein (p.Gly3804Arg). This variant is present in population databases (no rsID available, gnomAD 0.01%). This variant has not been reported in the literature in individuals affected with ZNF469-related conditions. ClinVar contains an entry for this variant (Variation ID: 2449450). An algorithm developed to predict the effect of missense changes on protein structure and function outputs the following: PolyPhen-2: "Possibly Damaging". The arginine amino acid residue is found in multiple mammalian species, which suggests that this missense change does not adversely affect protein function. In summary, the available evidence is currently insufficient to determine the role of this variant in disease. Therefore, it has been classified as a Variant of Uncertain Significance.

Ambry Genetics
Classification: Uncertain significance for Cardiovascular phenotype. Last evaluated: 2022-12-01. Review status: criteria provided, single submitter. Criteria: Ambry Variant Classification Scheme 2023. Collection method: clinical testing. Allele origin: germline.
Comment: The p.G3804R variant (also known as c.11410G>A), located in coding exon 2 of the ZNF469 gene, results from a G to A substitution at nucleotide position 11410. The glycine at codon 3804 is replaced by arginine, an amino acid with dissimilar properties. This amino acid position is conserved. In addition, this alteration is predicted to be tolerated by in silico analysis. Since supporting evidence is limited at this time, the clinical significance of this alteration remains unclear.

NM_001367624.2(ZNF469):c.11494G>A (p.Gly3832Arg)

Gene: ZNF469 (zinc finger protein 469; plus strand). Cytogenetic location: 16q24.2.
Variant type: single nucleotide variant.
Coding change: c.11494G>A on transcript NM_001367624.2 (MANE Select); coding-DNA position 11494, G replaced by A.
Protein change: p.Gly3832Arg; replaces glycine 3832 with arginine.
Molecular consequence: missense variant.
Genome position (GRCh38, 1-based): chr16:88,438,964, G>A. VCF-style: chr16-88438964-G-A. GRCh37 (hg19) VCF-style: chr16-88505372-G-A.
Other names: NM_001127464.1:c.11410G>A; short protein forms G3832R.
Identifiers: ClinVar variation 2449450 (VCV002449450.3), dbSNP rs965130423, ClinGen allele CA286388128.